The following is an entry in ClinVar:

ClinVar aggregate classification (germline): Pathogenic/Likely pathogenic. Review status: criteria provided, multiple submitters, no conflicts (2 of 4 stars). 24 submissions from 23 submitters: Pathogenic (17); Likely pathogenic (2). 5 of the submissions do not count toward it. Last evaluated 2026-01-28.

Conditions:
FANCC-related disorder. Also called: FANCC-related condition.
Hereditary cancer-predisposing syndrome. Also called: Neoplastic Syndromes, Hereditary; Tumor predisposition; Hereditary Cancer Syndrome; Hereditary neoplastic syndrome. Identifiers: Orphanet 140162, MedGen C0027672, MeSH D009386, MONDO:0015356.
Fanconi anemia (FA). Also called: Fanconi's anemia. Identifiers: Orphanet 84, MedGen C0015625, MeSH D005199, MONDO:0019391.
Fanconi anemia complementation group C (FANCC). Also called: Fanconi anemia, group C; FANCONI PANCYTOPENIA, TYPE 3; FACC; FANCC-Related Fanconi Anemia. Identifiers: Orphanet 84, MedGen C3468041, MONDO:0009213, OMIM 227645.

Allele frequency attached by ClinVar (database versions not stated): gnomAD exomes 0.00005 and 0.00010; ExAC 0.00002; TOPMed 0.00010; gnomAD 0.00007.
gnomAD v4.1: 150 of 1,613,944 alleles (0.0093%); highest among the groups gnomAD compares: South Asian, 0.016%; no homozygotes.

Submissions 1 to 9 of 24:

Labcorp Genetics (formerly Invitae), Labcorp
Classification: Pathogenic for Fanconi anemia. Last evaluated: 2026-01-28. Review status: criteria provided, single submitter. Criteria: Invitae Variant Classification Sherloc (09022015). Collection method: clinical testing. Allele origin: germline.
Comment: This sequence change creates a premature translational stop signal (p.Arg548*) in the FANCC gene. While this is not anticipated to result in nonsense mediated decay, it is expected to disrupt the last 11 amino acid(s) of the FANCC protein. The frequency data for this variant in the population databases is considered unreliable, as metrics indicate poor data quality at this position in the gnomAD database. This premature translational stop signal has been observed in individual(s) with Fanconi anemia (PMID: 8103176, 24584348). In at least one individual the data is consistent with being in trans (on the opposite chromosome) from a pathogenic variant. It has also been observed to segregate with disease in related individuals. ClinVar contains an entry for this variant (Variation ID: 12047). Algorithms developed to predict the effect of variants on gene product structure and function are not available or were not evaluated for this variant. Experimental studies have shown that this premature translational stop signal affects FANCC function (PMID: 8882868). For these reasons, this variant has been classified as Pathogenic.

Natera, Inc.
Classification: Pathogenic for Fanconi anemia. Last evaluated: 2025-12-18. Review status: criteria provided, single submitter. Criteria: Natera Variant Classification Schema (03/2026). Collection method: clinical testing. Allele origin: germline.
Comment: The c.1642C>T variant in FANCC is a nonsense variant predicted to introduce a stop codon at amino acid 548. This variant is expected to result in nonsense mediated decay, truncation, or a dysfunctional protein product. This variant is rare in the general population with a frequency below the threshold expected for the associated phenotype(s). This variant has been observed in one or more individuals affected with the associated recessive disease, as either homozygous or compound heterozygous with a second variant (PMID: 9207444, 36135330, 8103176). This variant has been found together with another disease-causing variant in the same copy of the gene (PMID: 28425259). Given the available evidence, this variant is classified as Pathogenic.

PreventionGenetics, part of Exact Sciences
Classification: Pathogenic for FANCC-related condition. Last evaluated: 2025-09-17. Review status: criteria provided, single submitter. Criteria: ACMG Guidelines, 2015. Collection method: clinical testing. Allele origin: germline.
Comment: The FANCC c.1642C>T variant is predicted to result in premature protein termination (p.Arg548*). This variant has been reported in the homozygous and compound heterozygous state in several individuals with Fanconi anemia (reported as p.R548X, Murer-Orlando et al. 1993. PubMed ID: 8103176; Gibson et al. 1996. PubMed ID: 8844212; Lo Ten Foe et al.1996. PubMed ID: 8882868). Additionally, this variant has been reported in the heterozygous state in individuals with gastric, breast, or colon cancer (Slavin et al. 2017. PubMed ID: 29025585; Table S1, Susswein et al. 2016. PubMed ID: 26681312). This variant is reported in 0.013% of alleles in individuals of South Asian descent in gnomAD and is interpreted as pathogenic/likely pathogenic in ClinVar (Variation ID: 12047). Given all the evidence, we interpret c.1642C>T (p.Arg548*) as pathogenic.

Quest Diagnostics Nichols Institute San Juan Capistrano
Classification: Pathogenic. Last evaluated: 2025-07-03. Review status: criteria provided, single submitter. Criteria: Quest Diagnostics criteria. Collection method: clinical testing. Allele origin: unknown.
Comment: The FANCC c.1642C>T (p.Arg548*) variant causes the premature termination of FANCC protein synthesis. While nonsense mediated decay is not expected, functional studies have demonstrated this variant disrupts the FANCC protein in regards to Fanconi Anemia (FA) (PMIDs: 24469828 (2014), 8882868 (1996), 8844212 (1996)). Further evidence is needed to assess the variant's impact on FANCC function and cancer development. In the published literature, this variant has been reported in individuals with FA who are homozygous (PMIDs: 36474027 (2023), 33960719 (2021), 9207444 (1997)) and compound heterozygous (PMIDs: 35417938 (2023), 8425259 (2017), 24584348 (2014), 9207444 (1997), 8103176 (1993)). This variant is frequently seen with FANCC IVS4+4A>T within the Ashkenazi Jewish population, resulting in a more severe FA phenotype (PMID: 20869034 (2010)). Additionally, the variant has been reported in individuals with breast cancer (PMIDs: 32427313 (2020), 31467304 (2019), 26681312 (2016)), pancreatic cancer (PMID: 29922827 (2018)), colorectal cancer (PMIDs: 29478780 (2018), 26681312 (2016)), renal cancer (PMID: 34308104 (2021)), head and neck cancer, melanoma, and endometrial cancer (PMID: 29625052 (2018)), hematological cancers like Hodgkin lymphoma and acute lymphoblastic leukemia (ALL) (PMID: 34308104 (2021)), and reportedly healthy individuals (PMID: 31467304 (2019)). The frequency of this variant in the general population (Genome Aggregation Database) is consistent with pathogenicity. Based on the available information, this variant is classified as pathogenic.

Blueprint Genetics
Classification: Pathogenic for FANCC-related disorders. Last evaluated: 2024-10-18. Review status: criteria provided, single submitter. Criteria: ACMG Guidelines, 2015. Collection method: clinical testing. Allele origin: germline. Affected: yes. Observed: 5 variant alleles.

Baylor Genetics
Classification: Pathogenic for Fanconi anemia complementation group C. Last evaluated: 2024-03-30. Review status: criteria provided, single submitter. Criteria: ACMG Guidelines, 2015. Collection method: clinical testing. Allele origin: unknown.

Laboratorio de Genetica e Diagnostico Molecular, Hospital Israelita Albert Einstein
Classification: Pathogenic for Fanconi anemia complementation group C. Last evaluated: 2023-11-03. Review status: criteria provided, single submitter. Criteria: ACMG Guidelines, 2015. Collection method: clinical testing. Allele origin: germline. Affected: yes.
Comment: ACMG classification criteria: PVS1 strong, PS3 supporting, PM2 moderate, PM3 strong

St. Jude Molecular Pathology, St. Jude Children's Research Hospital
Classification: Likely pathogenic for Fanconi anemia complementation group C. Last evaluated: 2022-08-19. Review status: criteria provided, single submitter. Criteria: St. Jude Assertion Criteria 2020. Collection method: clinical testing. Allele origin: germline.
Comment: The FANCC c.1642C>T (p.Arg548Ter) change is a nonsense variant that is predicted to cause premature protein truncation. The variant is not expected to result in nonsense mediated decay, but functional studies have demonstrated a damaging effect on FANCC function (PMID: 8882868). This variant has been reported in the homozygous or compound heterozygous state in multiple unrelated individuals affected with Fanconi anemia (PMID: 8103176, 28425259, 33960719). It has a maximum subpopulation frequency of 0.013% in gnomAD v2.1.1. In summary, this variant meets criteria to be classified as likely pathogenic.

Dasa
Classification: Pathogenic for Fanconi anemia complementation group C. Last evaluated: 2022-04-10. Review status: criteria provided, single submitter. Criteria: ACMG Guidelines, 2015. Collection method: clinical testing. Allele origin: germline. Affected: yes. Observed: 1 variant allele.
Comment: The c.1642C>T;p.(Arg548*) variant creates a premature translational stop signal in the FANCC gene. It is expected to result in an absent or disrupted protein product -PVS1. This sequence change has been observed in affected individual(s) and ClinVar contains an entry for this variant (ClinVar ID: 12047) - PS4. The variant is present at low allele frequencies population databases (rs104886457 – gnomAD 0.0004954%; ABraOM 0.000427 frequency) - PM2_supporting. In summary, the currently available evidence indicates that the variant is pathogenic

NM_000136.3(FANCC):c.1642C>T (p.Arg548Ter)

Genes: AOPEP (aminopeptidase O (putative); plus strand), FANCC (FA complementation group C; minus strand). Cytogenetic location: 9q22.32.
Variant type: single nucleotide variant.
Coding change: c.1642C>T on transcript NM_000136.3 (MANE Select); coding-DNA position 1642, C replaced by T.
Protein change: p.Arg548Ter; replaces arginine 548 with a stop codon.
Molecular consequence: nonsense.
Genome position (GRCh38, 1-based): chr9:95,101,742, G>A on the plus strand (C>T on the coding strand, the complement: FANCC is on the minus strand). VCF-style: chr9-95101742-G-A. GRCh37 (hg19) VCF-style: chr9-97864024-G-A.
Other names: p.R548X:CGA>TGA; c.1642C>T, p.Arg548Ter (NM_001243743.2); short protein forms R548*.
Identifiers: ClinVar variation 12047 (VCV000012047.69), dbSNP rs104886457, ClinGen allele CA284826.
Genomic context (GRCh38, chr9:95,101,742, plus strand): 5'-GGCACCCACACGGCCTGCGTGCCTTCTAGACTTGAGTTCGCAGCTCTTTAAGGAGCTCTC[G>A]GGCCAGTTTTTCTGATCTAGGGCTTTCAATGCCAAGACGATTCCATCTGTACAAGGTCTG-3'